The following is an entry in ClinVar:

ClinVar aggregate classification (germline): Likely benign (1 of 4 stars; one submission).

Submission:

CeGaT Center for Human Genetics Tuebingen
Classification: Likely benign. Last evaluated: 2024-11-01. Review status: criteria provided, single submitter. Criteria: CeGaT Center For Human Genetics Tuebingen Variant Classification Criteria Version 2. Collection method: clinical testing. Allele origin: germline. Affected: yes. Observed: 1 variant allele.
Comment: ZFP36L2: BP4, BP7

NM_006887.5(ZFP36L2):c.1341C>T (p.Pro447=)

Gene: ZFP36L2 (ZFP36 like 2 zinc finger CCCH-type; minus strand). Cytogenetic location: 2p21.
Variant type: single nucleotide variant.
Coding change: c.1341C>T on transcript NM_006887.5 (MANE Select); coding-DNA position 1341, C replaced by T.
Protein change: p.Pro447=; no amino-acid change (proline 447 retained).
Molecular consequence: synonymous variant.
Genome position (GRCh38, 1-based): chr2:43,224,463, G>A on the plus strand (C>T on the coding strand, the complement: ZFP36L2 is on the minus strand). VCF-style: chr2-43224463-G-A. GRCh37 (hg19) VCF-style: chr2-43451602-G-A.
Identifiers: ClinVar variation 3389273 (VCV003389273.14).